The following is an entry in ClinVar:

NM_004304.5(ALK):c.4659C>A (p.Ala1553=)

Gene: ALK (ALK receptor tyrosine kinase; minus strand). Cytogenetic location: 2p23.2.
Variant type: single nucleotide variant.
Coding change: c.4659C>A on transcript NM_004304.5 (MANE Select); coding-DNA position 4659, C replaced by A.
Protein change: p.Ala1553=; no amino-acid change (alanine 1553 retained).
Molecular consequence: synonymous variant.
Genome position (GRCh38, 1-based): chr2:29,193,428, G>T on the plus strand (C>A on the coding strand, the complement: ALK is on the minus strand). VCF-style: chr2-29193428-G-T. GRCh37 (hg19) VCF-style: chr2-29416294-G-T.
Other names: c.1455C>A, p.Ala485= (NM_001353765.2).
Identifiers: ClinVar variation 703751 (VCV000703751.16), dbSNP rs778797863, ClinGen allele CA1593518.
Genomic context (GRCh38, chr2:29,193,428, plus strand): 5'-CCTGAACAGAGGTACCTCCTTCATATTGGCAGTCAGCGAAGAGGGCTCTAGGAGCAGTGA[G>T]GCCCCCGGAAGTCTCCCAGTTGCAACGTTAGGTGGGACAGTACAGCTTCCCTCCAGCCCC-3'
Protein context (NP_004295.2, residues 1543-1563): PNVATGRLPG[Ala1553=]SLLLEPSSLT

ClinVar aggregate classification (germline): Likely benign. Review status: criteria provided, multiple submitters, no conflicts (2 of 4 stars). 3 submissions from 3 submitters: Likely benign (2). 1 of the submissions does not count toward it. Last evaluated 2025-09-10.

Conditions:
ALK-related disorder. Also called: ALK-related condition.
Neuroblastoma, susceptibility to, 3. Also called: ALK-Related Neuroblastic Tumor Susceptibility. Identifiers: Orphanet 635, MedGen C2751681, MONDO:0013083, OMIM 613014.
Hereditary cancer-predisposing syndrome. Also called: Tumor predisposition; Hereditary neoplastic syndrome; Neoplastic Syndromes, Hereditary; Hereditary Cancer Syndrome. Identifiers: Orphanet 140162, MedGen C0027672, MeSH D009386, MONDO:0015356.

Allele frequency attached by ClinVar (database versions not stated): gnomAD exomes 0.00001 and 0.00004; gnomAD 0.00003; TOPMed 0.00003; ExAC 0.00004.
gnomAD v4.1: 27 of 1,614,072 alleles (0.0017%); highest among the groups gnomAD compares: Admixed American, 0.02%; no homozygotes.

Submissions (3):

Labcorp Genetics (formerly Invitae), Labcorp
Classification: Likely benign for Neuroblastoma, susceptibility to, 3. Last evaluated: 2025-09-10. Review status: criteria provided, single submitter. Criteria: Invitae Variant Classification Sherloc (09022015). Collection method: clinical testing. Allele origin: germline.

Ambry Genetics
Classification: Likely benign for Hereditary cancer-predisposing syndrome. Last evaluated: 2022-03-13. Review status: criteria provided, single submitter. Criteria: Ambry Variant Classification Scheme 2023. Collection method: clinical testing. Allele origin: germline.

PreventionGenetics, part of Exact Sciences
Classification: Likely benign for ALK-related condition. Last evaluated: 2023-11-01. Review status: no assertion criteria provided. Collection method: clinical testing. Allele origin: germline. Not counted in ClinVar's aggregate classification.
Comment: This variant is classified as likely benign based on ACMG/AMP sequence variant interpretation guidelines (Richards et al. 2015 PMID: 25741868, with internal and published modifications).